The following is an entry in ClinVar:

ClinVar aggregate classification (germline): Conflicting classifications of pathogenicity. Review status: criteria provided, conflicting classifications (1 of 4 stars). 3 submissions from 3 submitters: Likely pathogenic (1); Uncertain significance (2). Last evaluated 2025-08-29.

Conditions:
Mucopolysaccharidosis, MPS-III-B (MPS3B). Also called: N-ACETYL-ALPHA-D-GLUCOSAMINIDASE DEFICIENCY; NAGLU DEFICIENCY; SANFILIPPO SYNDROME B; Mucopolysaccharidosis type IIIB (Sanfilippo B); MPS IIIB (Sanfilippo Syndrome Type B); MUCOPOLYSACCHARIDOSIS, TYPE IIIB. Identifiers: Orphanet 79270, MedGen C0086648, MONDO:0009656, OMIM 252920.
Charcot-Marie-Tooth disease axonal type 2V. Also called: CHARCOT-MARIE-TOOTH NEUROPATHY, TYPE 2V; CHARCOT-MARIE-TOOTH DISEASE, AXONAL, AUTOSOMAL DOMINANT, TYPE 2V. Identifiers: Orphanet 447964, MedGen C5569050, MONDO:0014665, OMIM 616491.

gnomAD v4.1: 6 of 1,614,008 alleles (0.00037%); highest among the groups gnomAD compares: Non-Finnish European, 0.00051%; no homozygotes.

Submissions (3):

Myriad Genetics, Inc.
Classification: Uncertain significance for Mucopolysaccharidosis, MPS-III-B. Last evaluated: 2025-08-29. Review status: criteria provided, single submitter. Criteria: Myriad Autosomal Dominant, Autosomal Recessive and X-Linked Classification Criteria (2023). Collection method: clinical testing. Allele origin: unknown.
Comment: NM_000263.3(NAGLU):c.701G>T(R234L) is a missense variant classified as a variant of uncertain significance in the context of mucopolysaccharidosis type IIIB. R234L has not been observed in cases with relevant disease. Relevant functional assessments of this variant are not available in the literature. R234L has been observed in referenced population frequency databases. In summary, there is insufficient evidence to classify NM_000263.3(NAGLU):c.701G>T(R234L) as pathogenic or benign. Please note: this variant was assessed in the context of healthy population screening.

Women's Health and Genetics/Laboratory Corporation of America, LabCorp
Classification: Uncertain significance. Last evaluated: 2025-07-21. Review status: criteria provided, single submitter. Criteria: LabCorp Variant Classification Summary - May 2015. Collection method: clinical testing. Allele origin: germline.
Comment: Variant summary: NAGLU c.701G>T (p.Arg234Leu) results in a non-conservative amino acid change in the encoded protein sequence. Algorithms developed to predict the effect of missense changes on protein structure and function all suggest that this variant is likely to be disruptive. The variant allele was found at a frequency of 4e-06 in 250902 control chromosomes (gnomAD). To our knowledge, no occurrence of c.701G>T in individuals affected with Mucopolysaccharidosis Type IIIB (Sanfilippo Syndrome B) and no experimental evidence demonstrating its impact on protein function have been reported. Other variants affecting the same codon have been determined to be likely pathogenic/pathogenic by our lab (e.g., c.700C>T, p.Arg234Cys), supporting the critical relevance of codon 234 to NAGLU protein function. ClinVar contains an entry for this variant (Variation ID: 859690). Based on the evidence outlined above, the variant was classified as VUS-possibly pathogenic.

Labcorp Genetics (formerly Invitae), Labcorp
Classification: Likely pathogenic for Charcot-Marie-Tooth disease axonal type 2V; Mucopolysaccharidosis, MPS-III-B. Last evaluated: 2023-12-28. Review status: criteria provided, single submitter. Criteria: Invitae Variant Classification Sherloc (09022015). Collection method: clinical testing. Allele origin: germline.
Comment: This sequence change replaces arginine, which is basic and polar, with leucine, which is neutral and non-polar, at codon 234 of the NAGLU protein (p.Arg234Leu). This variant is present in population databases (no rsID available, gnomAD 0.0009%). This variant has not been reported in the literature in individuals affected with NAGLU-related conditions. ClinVar contains an entry for this variant (Variation ID: 859690). Advanced modeling of protein sequence and biophysical properties (such as structural, functional, and spatial information, amino acid conservation, physicochemical variation, residue mobility, and thermodynamic stability) performed at Invitae indicates that this missense variant is expected to disrupt NAGLU protein function with a positive predictive value of 80%. This variant disrupts the p.Arg234 amino acid residue in NAGLU. Other variant(s) that disrupt this residue have been determined to be pathogenic (PMID: 9832037, 11286389, 18218046, 23380547, 30070758). This suggests that this residue is clinically significant, and that variants that disrupt this residue are likely to be disease-causing. In summary, the currently available evidence indicates that the variant is pathogenic, but additional data are needed to prove that conclusively. Therefore, this variant has been classified as Likely Pathogenic.

Literature cited by the submitters: PubMed 9832037 (cited by Labcorp Genetics (formerly Invitae), Labcorp); PubMed 11286389 (cited by Labcorp Genetics (formerly Invitae), Labcorp); PubMed 18218046 (cited by Labcorp Genetics (formerly Invitae), Labcorp); PubMed 23380547 (cited by Labcorp Genetics (formerly Invitae), Labcorp); PubMed 30070758 (cited by Labcorp Genetics (formerly Invitae), Labcorp).

NM_000263.4(NAGLU):c.701G>T (p.Arg234Leu)

Gene: NAGLU (N-acetyl-alpha-glucosaminidase; plus strand). Cytogenetic location: 17q21.2.
Variant type: single nucleotide variant.
Coding change: c.701G>T on transcript NM_000263.4 (MANE Select); coding-DNA position 701, G replaced by T.
Protein change: p.Arg234Leu; replaces arginine 234 with leucine.
Molecular consequence: missense variant.
Genome position (GRCh38, 1-based): chr17:42,538,692, G>T. VCF-style: chr17-42538692-G-T. GRCh37 (hg19) VCF-style: chr17-40690710-G-T.
Other names: short protein forms R234L.
Identifiers: ClinVar variation 859690 (VCV000859690.7), dbSNP rs886042073, ClinGen allele CA399598923.